The following is an entry in ClinVar:

NM_001278293.3(ARL6):c.481G>T (p.Ala161Ser)

Gene: ARL6 (ARF like GTPase 6; plus strand). Cytogenetic location: 3q11.2.
Variant type: single nucleotide variant.
Coding change: c.481G>T on transcript NM_001278293.3 (MANE Select); coding-DNA position 481, G replaced by T.
Protein change: p.Ala161Ser; replaces alanine 161 with serine.
Molecular consequence: missense variant. On other transcripts: non-coding transcript variant (6), intron variant (1).
Genome position (GRCh38, 1-based): chr3:97,791,772, G>T. VCF-style: chr3-97791772-G-T. GRCh37 (hg19) VCF-style: chr3-97510616-G-T.
Other names: c.481G>T, p.Ala161Ser (NM_001323513.2, NM_032146.5, NM_177976.3); c.479+3653G>T (NM_001323514.2); short protein forms A161S.
Identifiers: ClinVar variation 1091337 (VCV001091337.9), dbSNP rs567825969, ClinGen allele CA2505984.

ClinVar aggregate classification (germline): Likely benign. Review status: criteria provided, multiple submitters, no conflicts (2 of 4 stars). 3 submissions from 3 submitters: Likely benign (3). Last evaluated 2026-01-21.

Conditions:
Bardet-Biedl syndrome 3 (BBS3). Identifiers: Orphanet 110, MedGen C1859564, MONDO:0010832, OMIM 600151.
Retinitis pigmentosa 55 (RP55). Identifiers: Orphanet 791, MedGen C3150808, MONDO:0013312, OMIM 613575.

Allele frequency attached by ClinVar (database versions not stated): TOPMed below 0.00001; gnomAD 0.00009; gnomAD exomes 0.00013 and 0.00033; ExAC 0.00035; 1000 Genomes Project 30x 0.00094; 1000 Genomes Project 0.00120.
gnomAD v4.1: 208 of 1,613,504 alleles (0.013%); highest among the groups gnomAD compares: South Asian, 0.21%; 3 homozygotes.

Submissions (3):

Labcorp Genetics (formerly Invitae), Labcorp
Classification: Likely benign for Retinitis pigmentosa 55; Bardet-Biedl syndrome 3. Last evaluated: 2026-01-21. Review status: criteria provided, single submitter. Criteria: Invitae Variant Classification Sherloc (09022015). Collection method: clinical testing. Allele origin: germline.

Blueprint Genetics
Classification: Likely benign. Last evaluated: 2024-02-21. Review status: criteria provided, single submitter. Criteria: ACMG Guidelines, 2015. Collection method: clinical testing. Allele origin: germline.

Women's Health and Genetics/Laboratory Corporation of America, LabCorp
Classification: Likely benign. Last evaluated: 2022-05-10. Review status: criteria provided, single submitter. Criteria: LabCorp Variant Classification Summary - May 2015. Collection method: clinical testing. Allele origin: germline.
Comment: Variant summary: ARL6 c.481G>T (p.Ala161Ser) results in a conservative amino acid change located in the Small GTP-binding protein domain (IPR005225) of the encoded protein sequence. Three of five in-silico tools predict a benign effect of the variant on protein function. 4/4 computational tools predict no significant impact on normal splicing, however, these predictions have yet to be confirmed by functional studies. The variant allele was found at a frequency of 0.00033 in 251270 control chromosomes (gnomAD), predominantly at a frequency of 0.0027 within the South Asian subpopulation in the gnomAD database. The observed variant frequency within South Asian control individuals in the gnomAD database is approximately 4 fold of the estimated maximal expected allele frequency for a pathogenic variant in ARL6 causing Bardet-Biedl Syndrome phenotype (0.00069), strongly suggesting that the variant is a benign polymorphism found primarily in populations of South Asian origin. c.481G>T has been reported in the literature in one South Indian family in the heterozygous state in one affected and one unaffected individual, segregating poorly with disease (Sundaramurthy_2016). This individual was also homozygous for a different variant that is considered causative of the affected individuals retinopathy, therefore, this report does not provide unequivocal conclusions about association of the variant with Bardet-Biedl Syndrome. To our knowledge, no experimental evidence demonstrating an impact on protein function has been reported. One ClinVar submitter has assessed the variant since 2014: the variant was classified as likely benign. Based on the evidence outlined above, the variant was classified as likely benign.

Literature cited by the submitters: PubMed 27383656 (cited by Women's Health and Genetics/Laboratory Corporation of America, LabCorp).